The following is an entry in ClinVar:

NM_000090.4(COL3A1):c.3417+1G>A

Gene: COL3A1 (collagen type III alpha 1 chain; plus strand). Cytogenetic location: 2q32.2.
Variant type: single nucleotide variant.
Coding change: c.3417+1G>A on transcript NM_000090.4 (MANE Select); the canonical splice donor site of the intron after coding-DNA position 3417, G replaced by A.
Molecular consequence: splice donor variant.
Genome position (GRCh38, 1-based): chr2:189,007,939, G>A. VCF-style: chr2-189007939-G-A. GRCh37 (hg19) VCF-style: chr2-189872665-G-A.
Identifiers: ClinVar variation 101132 (VCV000101132.11), dbSNP rs587779444, ClinGen allele CA006363.

ClinVar aggregate classification (germline): Pathogenic. Review status: criteria provided, multiple submitters, no conflicts (2 of 4 stars). 4 submissions from 4 submitters: Pathogenic (3). 1 of the submissions does not count toward it. Last evaluated 2023-12-26.

Conditions:
Ehlers-Danlos syndrome, type 4 (EDSVASC). Also called: Ehlers-Danlos syndrome vascular type; Ehlers Danlos syndrome, ecchymotic type; Ehlers Danlos syndrome, arterial type; Ehlers Danlos syndrome, Sack-Barabas type; Ehlers-Danlos Syndrome Type IV. Identifiers: Orphanet 286, MedGen C0268338, MONDO:0017314, OMIM 130050.

Submissions (4):

Labcorp Genetics (formerly Invitae), Labcorp
Classification: Pathogenic for Ehlers-Danlos syndrome, type 4. Last evaluated: 2023-12-26. Review status: criteria provided, single submitter. Criteria: Invitae Variant Classification Sherloc (09022015). Collection method: clinical testing. Allele origin: germline.
Comment: This sequence change affects a donor splice site in intron 46 of the COL3A1 gene. RNA analysis indicates that disruption of this splice site induces altered splicing and likely results in a shortened protein product. This variant is not present in population databases (gnomAD no frequency). Disruption of this splice site has been observed in individuals with clinical features of Ehlers-Danlos syndrome (PMID: 22019127, 24922459; Invitae). ClinVar contains an entry for this variant (Variation ID: 101132). Studies have shown that disruption of this splice site results in skipping of exon 46, but is expected to preserve the integrity of the reading-frame (PMID: 22019127). This variant disrupts the triple helix domain of COL3A1. Glycine residues within the Gly-Xaa-Yaa repeats of the triple helix domain are required for the structure and stability of fibrillar collagens (PMID: 7695699, 8218237, 19344236). In COL3A1, variants that affect these glycine residues are significantly enriched in individuals with disease (PMID: 24922459, 25758994) compared to the general population (ExAC). For these reasons, this variant has been classified as Pathogenic.

Women's Health and Genetics/Laboratory Corporation of America, LabCorp
Classification: Pathogenic for Ehlers-Danlos syndrome, type 4. Last evaluated: 2023-04-25. Review status: criteria provided, single submitter. Criteria: LabCorp Variant Classification Summary - May 2015. Collection method: clinical testing. Allele origin: germline.
Comment: Variant summary: COL3A1 c.3417+1G>A is located in a canonical splice-site and is predicted to affect mRNA splicing resulting in a significantly altered protein due to either exon skipping, shortening, or inclusion of intronic material. Several computational tools predict a significant impact on normal splicing: Four predict the variant abolishes a canonical 5' splicing donor site. At least one publication reports experimental evidence that this variant indeed affects mRNA splicing and results in the in-frame skipping of exon 46 (e.g. PMID:22019127). This is expected to affect the triple-helical region of the encoded protein and alterations of glycine residues within the collagen triple-helix are common mechanisms of disease. The variant was absent in 251444 control chromosomes (gnomAD). c.3417+1G>A has been reported in the literature in individuals affected with Ehlers-Danlos Syndrome, Vascular Type (PMID: 22019127, 24922459). These data indicate that the variant is likely associated with disease. Two submitters have provided clinical-significance assessments for this variant to ClinVar after 2014 and both classified the variant as pathogenic. Based on the evidence outlined above, the variant was classified as pathogenic.

Center for Pediatric Genomic Medicine, Children's Mercy Hospital and Clinics
Classification: Pathogenic. Last evaluated: 2016-12-13. Review status: criteria provided, single submitter. Criteria: ACMG Guidelines, 2015. Collection method: clinical testing. Allele origin: de novo.

Collagen Diagnostic Laboratory, University of Washington
Classification: Pathogenic for Ehlers-Danlos syndrome, type 4. Review status: no assertion criteria provided. Collection method: clinical testing. Allele origin: germline. Affected: yes. Not counted in ClinVar's aggregate classification.

Literature cited by the submitters: PubMed 22019127 (cited by Labcorp Genetics (formerly Invitae), Labcorp and Women's Health and Genetics/Laboratory Corporation of America, LabCorp); PubMed 24922459 (cited by Labcorp Genetics (formerly Invitae), Labcorp and Women's Health and Genetics/Laboratory Corporation of America, LabCorp); PubMed 7695699 (cited by Labcorp Genetics (formerly Invitae), Labcorp); PubMed 8218237 (cited by Labcorp Genetics (formerly Invitae), Labcorp); PubMed 19344236 (cited by Labcorp Genetics (formerly Invitae), Labcorp); PubMed 25758994 (cited by Labcorp Genetics (formerly Invitae), Labcorp); PubMed 10706896 (cited by Collagen Diagnostic Laboratory, University of Washington).